The following is an entry in ClinVar:

NM_024422.6(DSC2):c.2569T>C (p.Tyr857His)

Gene: DSC2 (desmocollin 2; minus strand). Cytogenetic location: 18q12.1.
Variant type: single nucleotide variant.
Coding change: c.2569T>C on transcript NM_024422.6 (MANE Select); coding-DNA position 2569, T replaced by C.
Protein change: p.Tyr857His; replaces tyrosine 857 with histidine.
Molecular consequence: missense variant. On other transcripts: 3 prime UTR variant (1).
Genome position (GRCh38, 1-based): chr18:31,068,152, A>G on the plus strand (T>C on the coding strand, the complement: DSC2 is on the minus strand). VCF-style: chr18-31068152-A-G. GRCh37 (hg19) VCF-style: chr18-28648118-A-G.
Other names: c.*71T>C (NM_004949.5); short protein forms Y857H.
Identifiers: ClinVar variation 920716 (VCV000920716.7), dbSNP rs747396159, ClinGen allele CA039681.

ClinVar aggregate classification (germline): Uncertain significance. Review status: criteria provided, multiple submitters, no conflicts (2 of 4 stars). 3 submissions from 3 submitters: Uncertain significance (3). Last evaluated 2026-02-23.

Conditions:
Cardiovascular phenotype. Identifiers: MedGen CN230736.
Cardiomyopathy (CMYO). Also called: Cardiomyopathies. Identifiers: Orphanet 167848, MedGen C0878544, MONDO:0004994, HP:0001638. Inheritance: Various modes of inheritance.

Allele frequency attached by ClinVar (database versions not stated): gnomAD exomes below 0.00001; ExAC 0.00001.

Submissions (3):

Ambry Genetics
Classification: Uncertain significance for Cardiovascular phenotype. Last evaluated: 2026-02-23. Review status: criteria provided, single submitter. Criteria: Ambry Variant Classification Scheme 2023. Collection method: clinical testing. Allele origin: germline.

Blueprint Genetics
Classification: Uncertain significance. Last evaluated: 2023-12-22. Review status: criteria provided, single submitter. Criteria: ACMG Guidelines, 2015. Collection method: clinical testing. Allele origin: germline.

Color Diagnostics, LLC DBA Color Health
Classification: Uncertain significance for Cardiomyopathy. Last evaluated: 2023-12-05. Review status: criteria provided, single submitter. Criteria: ACMG Guidelines, 2015. Collection method: clinical testing. Allele origin: germline.
Comment: Variant of Uncertain Significance due to insufficient evidence: This missense variant is located in the intracellular cadherin segment of the DSC2 protein that is involved in protein binding. Computational prediction tools and conservation analyses suggest that this variant may have deleterious impact on the protein function. Computational splicing tools suggest that this variant may not impact RNA splicing. To our knowledge, functional assays have not been performed for this variant nor has this variant been reported in individuals affected with cardiovascular disorders in the literature. This variant has been identified in 1/245858 chromosomes in the general population by the Genome Aggregation Database (gnomAD). Available evidence is insufficient to determine the pathogenicity of this variant conclusively.